The following is an entry in ClinVar:

NM_005076.5(CNTN2):c.3011G>A (p.Gly1004Glu)

Genes: CNTN2 (contactin 2; plus strand), LOC126805985 (MED14-independent group 3 enhancer GRCh37_chr1:205041546-205042745; plus strand). Cytogenetic location: 1q32.1.
Variant type: single nucleotide variant.
Coding change: c.3011G>A on transcript NM_005076.5 (MANE Select); coding-DNA position 3011, G replaced by A.
Protein change: p.Gly1004Glu; replaces glycine 1004 with glutamic acid.
Molecular consequence: missense variant. On other transcripts: non-coding transcript variant (1).
Genome position (GRCh38, 1-based): chr1:205,073,234, G>A. VCF-style: chr1-205073234-G-A. GRCh37 (hg19) VCF-style: chr1-205042362-G-A.
Other names: c.3011G>A, p.Gly1004Glu (NM_001346083.2); short protein forms G1004E.
Identifiers: ClinVar variation 1024994 (VCV001024994.9), dbSNP rs1364145938, ClinGen allele CA344383809.

ClinVar aggregate classification (germline): Uncertain significance (1 of 4 stars; one submission).

Conditions:
Epilepsy, familial adult myoclonic, 5 (EPEO5). Also called: CORTICAL MYOCLONIC TREMOR WITH EPILEPSY, FAMILIAL, 5. Identifiers: Orphanet 86814, MedGen C3809374, MONDO:0014167, OMIM 615400.

Allele frequency attached by ClinVar (database versions not stated): TOPMed 0.00001.

Submission:

Labcorp Genetics (formerly Invitae), Labcorp
Classification: Uncertain significance for Epilepsy, familial adult myoclonic, 5. Last evaluated: 2020-03-23. Review status: criteria provided, single submitter. Criteria: Invitae Variant Classification Sherloc (09022015). Collection method: clinical testing. Allele origin: germline.
Comment: This variant is not present in population databases (ExAC no frequency). Algorithms developed to predict the effect of missense changes on protein structure and function are either unavailable or do not agree on the potential impact of this missense change (SIFT: "Deleterious"; PolyPhen-2: "Possibly Damaging"; Align-GVGD: "Class C15"). This variant has not been reported in the literature in individuals with CNTN2-related conditions. This sequence change replaces glycine with glutamic acid at codon 1004 of the CNTN2 protein (p.Gly1004Glu). The glycine residue is highly conserved and there is a moderate physicochemical difference between glycine and glutamic acid. In summary, the available evidence is currently insufficient to determine the role of this variant in disease. Therefore, it has been classified as a Variant of Uncertain Significance.